The following is an entry in ClinVar:

ClinVar aggregate classification (germline): Uncertain significance (1 of 4 stars; one submission).

Conditions:
Joubert syndrome. Also called: CEREBELLOPARENCHYMAL DISORDER IV; JOUBERT-BOLTSHAUSER SYNDROME; Familial aplasia of the vermis. Identifiers: Orphanet 475, MedGen C5979921, MONDO:0018772.
Nephronophthisis. Also called: Juvenile Nephronophthisis. Identifiers: Orphanet 655, MedGen C0687120, MONDO:0019005, HP:0000090.
Meckel-Gruber syndrome. Also called: DYSENCEPHALIA SPLANCHNOCYSTICA; GRUBER SYNDROME; Dysencephalia splachnocystica. Identifiers: Orphanet 564, MedGen C0265215, MONDO:0018921.

Submission:

Labcorp Genetics (formerly Invitae), Labcorp
Classification: Uncertain significance for Joubert syndrome; Meckel-Gruber syndrome; Nephronophthisis. Last evaluated: 2023-08-24. Review status: criteria provided, single submitter. Criteria: Invitae Variant Classification Sherloc (09022015). Collection method: clinical testing. Allele origin: germline.
Comment: This sequence change replaces aspartic acid, which is acidic and polar, with glycine, which is neutral and non-polar, at codon 2218 of the CEP290 protein (p.Asp2218Gly). This variant is not present in population databases (gnomAD no frequency). This variant has not been reported in the literature in individuals affected with CEP290-related conditions. ClinVar contains an entry for this variant (Variation ID: 1348563). Advanced modeling of protein sequence and biophysical properties (such as structural, functional, and spatial information, amino acid conservation, physicochemical variation, residue mobility, and thermodynamic stability) performed at Invitae indicates that this missense variant is not expected to disrupt CEP290 protein function. In summary, the available evidence is currently insufficient to determine the role of this variant in disease. Therefore, it has been classified as a Variant of Uncertain Significance.

NM_025114.4(CEP290):c.6653A>G (p.Asp2218Gly)

Gene: CEP290 (centrosomal protein 290; minus strand). Cytogenetic location: 12q21.32.
Variant type: single nucleotide variant.
Coding change: c.6653A>G on transcript NM_025114.4 (MANE Select); coding-DNA position 6653, A replaced by G.
Protein change: p.Asp2218Gly; replaces aspartic acid 2218 with glycine.
Molecular consequence: missense variant.
Genome position (GRCh38, 1-based): chr12:88,059,013, T>C on the plus strand (A>G on the coding strand, the complement: CEP290 is on the minus strand). VCF-style: chr12-88059013-T-C. GRCh37 (hg19) VCF-style: chr12-88452790-T-C.
Other names: short protein forms D2218G.
Identifiers: ClinVar variation 1348563 (VCV001348563.8), dbSNP rs2136706903, ClinGen allele CA385977871.
Genomic context (GRCh38, chr12:88,059,013, plus strand): 5'-GTCATCTTCTCATTTAATATCTCTAAATTATTCTTTGCTATCCGTAATTTCTCTGCAGCA[T>C]CAGTTTCCTATCATTAAATGCTAATTAGTATTTTATGAGAAAACATAATACTGTTCTCAT-3'
Protein context (NP_079390.3, residues 2208-2228): RLRKELKKET[Asp2218Gly]AAEKLRIAKN